The following is an entry in ClinVar:

ClinVar aggregate classification (germline): Uncertain significance (1 of 4 stars; one submission).

Conditions:
Hypertrophic cardiomyopathy. Also called: HYPERTROPHIC MYOCARDIOPATHY. Identifiers: Orphanet 217569, MedGen C0007194, MeSH D002312, MONDO:0005045, HP:0001639.

Submission:

Labcorp Genetics (formerly Invitae), Labcorp
Classification: Uncertain significance for Hypertrophic cardiomyopathy. Last evaluated: 2024-12-05. Review status: criteria provided, single submitter. Criteria: Invitae Variant Classification Sherloc (09022015). Collection method: clinical testing. Allele origin: germline.
Comment: This sequence change replaces aspartic acid, which is acidic and polar, with glycine, which is neutral and non-polar, at codon 1009 of the MYH7 protein (p.Asp1009Gly). This variant is not present in population databases (gnomAD no frequency). This variant has not been reported in the literature in individuals affected with MYH7-related conditions. ClinVar contains an entry for this variant (Variation ID: 1938030). Invitae Evidence Modeling of protein sequence and biophysical properties (such as structural, functional, and spatial information, amino acid conservation, physicochemical variation, residue mobility, and thermodynamic stability) indicates that this missense variant is expected to disrupt MYH7 protein function with a positive predictive value of 95%. In summary, the available evidence is currently insufficient to determine the role of this variant in disease. Therefore, it has been classified as a Variant of Uncertain Significance.

NM_000257.4(MYH7):c.3026A>G (p.Asp1009Gly)

Gene: MYH7 (myosin heavy chain 7; minus strand). Cytogenetic location: 14q11.2.
Variant type: single nucleotide variant.
Coding change: c.3026A>G on transcript NM_000257.4 (MANE Select); coding-DNA position 3026, A replaced by G.
Protein change: p.Asp1009Gly; replaces aspartic acid 1009 with glycine.
Molecular consequence: missense variant.
Genome position (GRCh38, 1-based): chr14:23,423,620, T>C on the plus strand (A>G on the coding strand, the complement: MYH7 is on the minus strand). VCF-style: chr14-23423620-T-C. GRCh37 (hg19) VCF-style: chr14-23892829-T-C.
Other names: c.3026A>G, p.Asp1009Gly (NM_001407004.1); short protein forms D1009G.
Identifiers: ClinVar variation 1938030 (VCV001938030.5), dbSNP rs1566530227, ClinGen allele CA389045859.